The following is an entry in ClinVar:

NM_006545.5(NPRL2):c.501G>A (p.Pro167=)

Gene: NPRL2 (NPR2 like, GATOR1 complex subunit; minus strand). Cytogenetic location: 3p21.31.
Variant type: single nucleotide variant.
Coding change: c.501G>A on transcript NM_006545.5 (MANE Select); coding-DNA position 501, G replaced by A.
Protein change: p.Pro167=; no amino-acid change (proline 167 retained).
Molecular consequence: synonymous variant.
Genome position (GRCh38, 1-based): chr3:50,348,958, C>T on the plus strand (G>A on the coding strand, the complement: NPRL2 is on the minus strand). VCF-style: chr3-50348958-C-T. GRCh37 (hg19) VCF-style: chr3-50386389-C-T.
Identifiers: ClinVar variation 707379 (VCV000707379.11), dbSNP rs35968178, ClinGen allele CA2417573.

ClinVar aggregate classification (germline): Benign/Likely benign. Review status: criteria provided, multiple submitters, no conflicts (2 of 4 stars). 4 submissions from 4 submitters: Benign (1); Likely benign (2). 1 of the submissions does not count toward it. Last evaluated 2026-01-01.

Conditions:
NPRL2-related disorder. Also called: NPRL2-related condition.

Allele frequency attached by ClinVar (database versions not stated): TOPMed 0.00352; ESP Exome Variant Server 0.00354; 1000 Genomes Project 0.00359; 1000 Genomes Project 30x 0.00359.

Submissions (4):

CeGaT Center for Human Genetics Tuebingen
Classification: Likely benign. Last evaluated: 2026-01-01. Review status: criteria provided, single submitter. Criteria: CeGaT Center For Human Genetics Tuebingen Variant Classification Criteria Version 2. Collection method: clinical testing. Allele origin: germline. Affected: yes. Observed: 1 variant allele.
Comment: NPRL2: BP4, BP7, BS1

Blueprint Genetics
Classification: Likely benign. Last evaluated: 2024-06-28. Review status: criteria provided, single submitter. Criteria: ACMG Guidelines, 2015. Collection method: clinical testing. Allele origin: germline.

Labcorp Genetics (formerly Invitae), Labcorp
Classification: Benign. Last evaluated: 2019-12-31. Review status: criteria provided, single submitter. Criteria: Invitae Variant Classification Sherloc (09022015). Collection method: clinical testing. Allele origin: germline.

PreventionGenetics, part of Exact Sciences
Classification: Benign for NPRL2-related condition. Last evaluated: 2019-07-01. Review status: no assertion criteria provided. Collection method: clinical testing. Allele origin: germline. Not counted in ClinVar's aggregate classification.
Comment: This variant is classified as benign based on ACMG/AMP sequence variant interpretation guidelines (Richards et al. 2015 PMID: 25741868, with internal and published modifications).